The following is an entry in ClinVar:

ClinVar aggregate classification (germline): Likely benign (1 of 4 stars; one submission).

Allele frequency attached by ClinVar (database versions not stated): TOPMed 0.00070; gnomAD 0.00072; 1000 Genomes Project 0.00060; ESP Exome Variant Server 0.00069; 1000 Genomes Project 30x 0.00078; ExAC 0.00138.
gnomAD v4.1: 1,581 of 1,613,708 alleles (0.098%); highest among the groups gnomAD compares: Middle Eastern, 0.26%; 4 homozygotes.

Submission:

CeGaT Center for Human Genetics Tuebingen
Classification: Likely benign. Last evaluated: 2023-03-01. Review status: criteria provided, single submitter. Criteria: CeGaT Center For Human Genetics Tuebingen Variant Classification Criteria Version 2. Collection method: clinical testing. Allele origin: germline. Affected: yes. Observed: 1 variant allele.
Comment: SYNJ2: BP4, BP7, BS2

NM_003898.4(SYNJ2):c.2544G>A (p.Ala848=)

Gene: SYNJ2 (synaptojanin 2; plus strand). Cytogenetic location: 6q25.3.
Variant type: single nucleotide variant.
Coding change: c.2544G>A on transcript NM_003898.4 (MANE Select); coding-DNA position 2544, G replaced by A.
Protein change: p.Ala848=; no amino-acid change (alanine 848 retained).
Molecular consequence: synonymous variant.
Genome position (GRCh38, 1-based): chr6:158,078,258, G>A. VCF-style: chr6-158078258-G-A. GRCh37 (hg19) VCF-style: chr6-158499290-G-A.
Other names: c.1833G>A, p.Ala611= (NM_001178088.2); c.2544G>A, p.Ala848= (NM_001410947.1).
Identifiers: ClinVar variation 2657078 (VCV002657078.24), dbSNP rs139533347, ClinGen allele CA4070281.